The following is an entry in ClinVar:

ClinVar aggregate classification (germline): Pathogenic (1 of 4 stars; one submission).

Conditions:
Sandhoff disease. Also called: Beta-hexosaminidase-beta-subunit deficiency; GM2 gangliosidosis, type 2; Total hexosaminidase deficiency; Sandhoff-Jatzkewitz-Pilz disease; GM2-GANGLIOSIDOSIS, TYPE II; HEXOSAMINIDASES A AND B DEFICIENCY. Identifiers: Orphanet 796, MedGen C0036161, MONDO:0010006, OMIM 268800.

Submission:

Labcorp Genetics (formerly Invitae), Labcorp
Classification: Pathogenic for Sandhoff disease. Last evaluated: 2022-10-31. Review status: criteria provided, single submitter. Criteria: Invitae Variant Classification Sherloc (09022015). Collection method: clinical testing. Allele origin: germline.
Comment: For these reasons, this variant has been classified as Pathogenic. This variant has not been reported in the literature in individuals affected with HEXB-related conditions. This variant results in the deletion of part of exon 1 (c.-2172_157delinsA) of the HEXB gene. It is expected to result in an absent or disrupted protein product. Loss-of-function variants in HEXB are known to be pathogenic (PMID: 7550345, 18758829).

Literature cited by the submitters: PubMed 7550345; PubMed 18758829.

NC_000005.9:g.(?_73978914)_(73981242_?)del

Gene: HEXB (hexosaminidase subunit beta; plus strand). Cytogenetic location: 5q13.3.
Variant type: Deletion.
Identifiers: ClinVar variation 2423201 (VCV002423201.4).